The following is an entry in ClinVar:

ClinVar aggregate classification (germline): Pathogenic (1 of 4 stars; one submission).

Conditions:
Hereditary cancer-predisposing syndrome. Also called: Hereditary Cancer Syndrome; Neoplastic Syndromes, Hereditary; Tumor predisposition; Hereditary neoplastic syndrome. Identifiers: Orphanet 140162, MedGen C0027672, MeSH D009386, MONDO:0015356.

Submission:

Ambry Genetics
Classification: Pathogenic for Hereditary cancer-predisposing syndrome. Last evaluated: 2017-09-26. Review status: criteria provided, single submitter. Criteria: Ambry Variant Classification Scheme 2023. Collection method: clinical testing. Allele origin: germline.
Comment: The c.5111_5112dupCT pathogenic mutation, located in coding exon 39 of the TSC2 gene, results from a duplication of CT at nucleotide positions 5111 and 5112, causing a translational frameshift with a predicted alternate stop codon (p.D1705Lfs*122). Frameshifts are typically deleterious in nature; however, this frameshift occurs at the 3' terminus of TSC2, is not expected to trigger nonsense-mediated mRNA decay, and results in the elongation of the protein by 18 amino acids. The exact functional impact of these inserted amino acids is unknown at this time. However, several pathogenic mutations occurring downstream of this variant have been detected in individuals with tuberous sclerosis complex (Ambry internal data), indicating the functional importance of the residues disrupted by the frameshift. Based on the supporting evidence, this alteration is interpreted as a disease-causing mutation.

NM_000548.5(TSC2):c.5111_5112dup (p.Asp1705fs)

Gene: TSC2 (TSC complex subunit 2; plus strand). Cytogenetic location: 16p13.3.
Variant type: Duplication.
Coding change: c.5111_5112dup on transcript NM_000548.5 (MANE Select); coding-DNA positions 5111 to 5112, 2 bases duplicated (CT; older notation c.5111_5112dupCT).
Protein change: p.Asp1705fs; shifts the reading frame from aspartic acid 1705.
Molecular consequence: frameshift variant.
Genome position (GRCh38, 1-based): chr16:2,088,090-2,088,091, CT duplicated; duplicating any 2 consecutive bases within chr16:2,088,089-2,088,091 gives the same sequence; the c. name uses the placement nearest the transcript's 3' end. VCF-style (leftmost placement, unchanged base first): chr16-2088088-G-GTC. GRCh37 (hg19) VCF-style: chr16-2138089-G-GTC.
Other names: c.4910_4911dup, p.Asp1638fs (NM_001077183.3); c.5042_5043dup, p.Asp1682fs (NM_001114382.3); c.4802_4803dup, p.Asp1602fs (NM_001318827.2); c.4766_4767dup, p.Asp1590fs (NM_001318829.2); c.4379_4380dup, p.Asp1461fs (NM_001318831.2); c.4943_4944dup, p.Asp1649fs (NM_001318832.2); c.4913_4914dup, p.Asp1639fs (NM_001363528.2); c.4979_4980dup, p.Asp1661fs (NM_001370404.1); and 27 more; short protein forms D1638fs, D1649fs, D1602fs, D1461fs, D1590fs, D1639fs, D1662fs, D1661fs.
Identifiers: ClinVar variation 1745414 (VCV001745414.2), dbSNP rs2544478263, ClinGen allele CA2580091151.
Genomic context (GRCh38, chr16:2,088,088, plus strand): 5'-TGACCACCAAGTCTCCCCAGACATGGAGGGCCTTGTGGACACCAGCGTGGCCAAGATCGT[G>GTC]TCTGACCGCAACCTGCCCTTCGTGGCCCGCCAGATGGCCCTGCACGCAAATGTGAGTGGG-3'